The following is an entry in ClinVar:

ClinVar aggregate classification (germline): Uncertain significance. Review status: criteria provided, multiple submitters, no conflicts (2 of 4 stars). 4 submissions from 4 submitters: Uncertain significance (4). Last evaluated 2026-05-10.

Conditions:
Myofibrillar myopathy 5. Also called: Filaminopathy (type); FILAMINOPATHY, AUTOSOMAL DOMINANT. Identifiers: Orphanet 171445, MedGen C1836050, MONDO:0012289, OMIM 609524.
Hypertrophic cardiomyopathy 26. Also called: Cardiomyopathy, familial hypertrophic, 26. Identifiers: Orphanet 75249, MedGen C4310749, MONDO:0014883, OMIM 617047.
Distal myopathy with posterior leg and anterior hand involvement. Also called: WILLIAMS DISTAL MYOPATHY. Identifiers: Orphanet 63273, MedGen C3279722, MONDO:0013550, OMIM 614065.
Cardiovascular phenotype. Identifiers: MedGen CN230736.

Allele frequency attached by ClinVar (database versions not stated): gnomAD exomes below 0.00001; TOPMed 0.00002; gnomAD 0.00001.
gnomAD v4.1: 4 of 1,613,804 alleles (0.00025%); highest among the groups gnomAD compares: African/African-American, 0.0053%; no homozygotes.

Submissions (4):

Ambry Genetics
Classification: Uncertain significance for Cardiovascular phenotype. Last evaluated: 2026-05-10. Review status: criteria provided, single submitter. Criteria: Ambry Variant Classification Scheme 2023. Collection method: clinical testing. Allele origin: germline.

Labcorp Genetics (formerly Invitae), Labcorp
Classification: Uncertain significance for Distal myopathy with posterior leg and anterior hand involvement; Myofibrillar myopathy 5; Hypertrophic cardiomyopathy 26. Last evaluated: 2025-11-16. Review status: criteria provided, single submitter. Criteria: Invitae Variant Classification Sherloc (09022015). Collection method: clinical testing. Allele origin: germline.
Comment: This sequence change replaces asparagine, which is neutral and polar, with lysine, which is basic and polar, at codon 1593 of the FLNC protein (p.Asn1593Lys). This variant is not present in population databases (gnomAD no frequency). This variant has not been reported in the literature in individuals affected with FLNC-related conditions. ClinVar contains an entry for this variant (Variation ID: 1019671). Invitae Evidence Modeling of protein sequence and biophysical properties (such as structural, functional, and spatial information, amino acid conservation, physicochemical variation, residue mobility, and thermodynamic stability) has been performed for this missense variant. However, the output from this modeling did not meet the statistical confidence thresholds required to predict the impact of this variant on FLNC protein function. In summary, the available evidence is currently insufficient to determine the role of this variant in disease. Therefore, it has been classified as a Variant of Uncertain Significance.

Molecular Diagnostic Laboratory for Inherited Cardiovascular Disease, Montreal Heart Institute
Classification: Uncertain significance for Cardiovascular phenotype. Last evaluated: 2025-04-09. Review status: criteria provided, single submitter. Criteria: ACMG Guidelines, 2015. Collection method: clinical testing. Allele origin: germline. Affected: yes.
Comment: PM2, PP3

GeneDx
Classification: Uncertain significance. Last evaluated: 2020-03-26. Review status: criteria provided, single submitter. Criteria: GeneDx Variant Classification Process June 2021. Collection method: clinical testing. Allele origin: germline. Affected: yes.
Comment: Has not been previously published as pathogenic or benign to our knowledge; Not observed in large population cohorts (Lek et al., 2016); Identified in individuals with cardiomyopathy referred for genetic testing at GeneDx; however, at least one proband harbored another cardiomyopathy-related variant that likely contributed to the phenotype; In silico analysis supports that this missense variant has a deleterious effect on protein structure/function

NM_001458.5(FLNC):c.4779T>G (p.Asn1593Lys)

Gene: FLNC (filamin C; plus strand). Cytogenetic location: 7q32.1.
Variant type: single nucleotide variant.
Coding change: c.4779T>G on transcript NM_001458.5 (MANE Select); coding-DNA position 4779, T replaced by G.
Protein change: p.Asn1593Lys; replaces asparagine 1593 with lysine.
Molecular consequence: missense variant.
Genome position (GRCh38, 1-based): chr7:128,848,834, T>G. VCF-style: chr7-128848834-T-G. GRCh37 (hg19) VCF-style: chr7-128488888-T-G.
Other names: c.4779T>G, p.Asn1593Lys (NM_001127487.2); short protein forms N1593K.
Identifiers: ClinVar variation 1019671 (VCV001019671.12), dbSNP rs948081935, ClinGen allele CA166184504.